The following is an entry in ClinVar:

NC_000003.11:g.(?_52188351)_(52188388_?)del

Gene: POC1A (POC1 centriolar protein A; minus strand). Cytogenetic location: 3p21.2.
Variant type: Deletion.
Identifiers: ClinVar variation 2426147 (VCV002426147.3).

ClinVar aggregate classification (germline): Pathogenic (1 of 4 stars; one submission).

Submission:

Labcorp Genetics (formerly Invitae), Labcorp
Classification: Pathogenic. Last evaluated: 2022-11-23. Review status: criteria provided, single submitter. Criteria: Invitae Variant Classification Sherloc (09022015). Collection method: clinical testing. Allele origin: germline.
Comment: For these reasons, this variant has been classified as Pathogenic. This variant has not been reported in the literature in individuals affected with POC1A-related conditions. This variant is a gross deletion of the genomic region encompassing exon(s) 1 of the POC1A gene, which includes the initiator codon. This deletion extends beyond the assayed region for this gene and therefore may encompass additional genes. It is expected to result in an absent or disrupted protein product. Loss-of-function variants in POC1A are known to be pathogenic (PMID: 22840364, 26336158, 26374189).

Literature cited by the submitters: PubMed 22840364; PubMed 26336158; PubMed 26374189.